The following is an entry in ClinVar:

NM_000088.4(COL1A1):c.3500del (p.Pro1167fs)

Gene: COL1A1 (collagen type I alpha 1 chain; minus strand). Cytogenetic location: 17q21.33.
Variant type: Deletion.
Coding change: c.3500del on transcript NM_000088.4 (MANE Select); coding-DNA position 3500, one base deleted (C; older notation c.3500delC).
Protein change: p.Pro1167fs; shifts the reading frame from proline 1167.
Molecular consequence: frameshift variant.
Genome position (GRCh38, 1-based): chr17:50,187,046, G deleted on the plus strand (C on the coding strand, the reverse complement: COL1A1 is on the minus strand); the first of 2 consecutive G bases (chr17:50,187,046-50,187,047); deleting either gives the same sequence. VCF-style (leftmost placement, unchanged base first): chr17-50187045-AG-A. GRCh37 (hg19) VCF-style: chr17-48264406-AG-A.
Other names: short protein forms P1167fs.
Identifiers: ClinVar variation 2430362 (VCV002430362.2), dbSNP rs2509166526, ClinGen allele CA2580094191.

ClinVar aggregate classification (germline): Pathogenic (1 of 4 stars; one submission).

Submission:

Centre of Medical Genetics, University Hospital Muenster
Classification: Pathogenic. Last evaluated: 2022-12-13. Review status: criteria provided, single submitter. Criteria: ACMG Guidelines, 2015. Collection method: clinical testing. Allele origin: unknown. Affected: yes. Observed: 1 variant allele, 1 heterozygote.
Comment: ACMG categories: PVS1,PM2,PP3